The following is an entry in ClinVar:

NM_002485.5(NBN):c.1274G>A (p.Arg425Lys)

Gene: NBN (nibrin; minus strand). Cytogenetic location: 8q21.3.
Variant type: single nucleotide variant.
Coding change: c.1274G>A on transcript NM_002485.5 (MANE Select); coding-DNA position 1274, G replaced by A.
Protein change: p.Arg425Lys; replaces arginine 425 with lysine.
Molecular consequence: missense variant.
Genome position (GRCh38, 1-based): chr8:89,955,406, C>T on the plus strand (G>A on the coding strand, the complement: NBN is on the minus strand). VCF-style: chr8-89955406-C-T. GRCh37 (hg19) VCF-style: chr8-90967634-C-T.
Other names: c.1028G>A, p.Arg343Lys (NM_001024688.3); short protein forms R425K, R343K.
Identifiers: ClinVar variation 411771 (VCV000411771.19), dbSNP rs1060503478, ClinGen allele CA16612541.

ClinVar aggregate classification (germline): Conflicting classifications of pathogenicity. Review status: criteria provided, conflicting classifications (1 of 4 stars). 4 submissions from 4 submitters: Uncertain significance (2); Likely benign (2). Last evaluated 2025-02-10.

Conditions:
Microcephaly, normal intelligence and immunodeficiency (NBS). Also called: IMMUNODEFICIENCY, MICROCEPHALY, AND CHROMOSOMAL INSTABILITY; SEEMANOVA SYNDROME II; Immunodeficiency, microcephaly with normal intelligence; Ataxia telangiectasia variant V1; Nijmegen breakage syndrome; Microcephaly with normal intelligence immunodeficiency and lymphoreticular malignancies. Identifiers: Orphanet 647, MedGen C0398791, MONDO:0009623, OMIM 251260.
Hereditary cancer-predisposing syndrome. Also called: Hereditary neoplastic syndrome; Neoplastic Syndromes, Hereditary; Tumor predisposition; Hereditary Cancer Syndrome. Identifiers: Orphanet 140162, MedGen C0027672, MeSH D009386, MONDO:0015356.

Allele frequency attached by ClinVar (database versions not stated): gnomAD exomes below 0.00001.
gnomAD v4.1: 1 of 1,613,734 alleles (0.000062%); highest among the groups gnomAD compares: Non-Finnish European, 0.000085%; no homozygotes.

Submissions (4):

Labcorp Genetics (formerly Invitae), Labcorp
Classification: Uncertain significance for Microcephaly, normal intelligence and immunodeficiency. Last evaluated: 2025-02-10. Review status: criteria provided, single submitter. Criteria: Invitae Variant Classification Sherloc (09022015). Collection method: clinical testing. Allele origin: germline.
Comment: This sequence change replaces arginine, which is basic and polar, with lysine, which is basic and polar, at codon 425 of the NBN protein (p.Arg425Lys). This variant is not present in population databases (gnomAD no frequency). This missense change has been observed in individual(s) with breast cancer (PMID: 25503501). ClinVar contains an entry for this variant (Variation ID: 411771). An algorithm developed to predict the effect of missense changes on protein structure and function outputs the following: PolyPhen-2: "Benign". The lysine amino acid residue is found in multiple mammalian species, which suggests that this missense change does not adversely affect protein function. In summary, the available evidence is currently insufficient to determine the role of this variant in disease. Therefore, it has been classified as a Variant of Uncertain Significance.

GeneDx
Classification: Uncertain significance. Last evaluated: 2022-02-21. Review status: criteria provided, single submitter. Criteria: GeneDx Variant Classification Process June 2021. Collection method: clinical testing. Allele origin: germline. Affected: yes.
Comment: Not observed at significant frequency in large population cohorts (gnomAD); In silico analysis supports that this missense variant does not alter protein structure/function; Observed in an individual with early onset breast cancer (Maxwell 2015); This variant is associated with the following publications: (PMID: 25503501)

Genome-Nilou Lab
Classification: Likely benign for Microcephaly, normal intelligence and immunodeficiency. Last evaluated: 2021-11-07. Review status: criteria provided, single submitter. Criteria: ACMG Guidelines, 2015. Collection method: clinical testing. Allele origin: germline. Affected: no.

Ambry Genetics
Classification: Likely benign for Hereditary cancer-predisposing syndrome. Last evaluated: 2019-01-21. Review status: criteria provided, single submitter. Criteria: Ambry Variant Classification Scheme 2023. Collection method: clinical testing. Allele origin: germline.

Literature cited by the submitters: PubMed 25503501 (cited by Labcorp Genetics (formerly Invitae), Labcorp).